The following is an entry in ClinVar:

ClinVar aggregate classification (germline): Conflicting classifications of pathogenicity. Review status: criteria provided, conflicting classifications (1 of 4 stars). 8 submissions from 8 submitters: Uncertain significance (2); Benign (1); Likely benign (5). Last evaluated 2026-06-01.

Conditions:
SPTBN2-related disorder. Also called: SPTBN2-related condition.
Inborn genetic diseases. Identifiers: MedGen C0950123, MeSH D030342.
Spinocerebellar ataxia type 5 (SCA5). Identifiers: Orphanet 98766, MedGen C0752123, MONDO:0010848, OMIM 600224.

Allele frequency attached by ClinVar (database versions not stated): 1000 Genomes Project 30x 0.00031; 1000 Genomes Project 0.00040; ESP Exome Variant Server 0.00062; ExAC 0.00066; gnomAD exomes 0.00066; gnomAD 0.00075 and 0.00077; TOPMed 0.00075.
gnomAD v4.1: 2,287 of 1,605,236 alleles (0.14%); highest among the groups gnomAD compares: Non-Finnish European, 0.18%; 1 homozygote.

Submissions (8):

CeGaT Center for Human Genetics Tuebingen
Classification: Likely benign. Last evaluated: 2026-06-01. Review status: criteria provided, single submitter. Criteria: CeGaT Center For Human Genetics Tuebingen Variant Classification Criteria Version 2. Collection method: clinical testing. Allele origin: germline. Affected: yes. Observed: 9 variant alleles.
Comment: SPTBN2: BP5

Labcorp Genetics (formerly Invitae), Labcorp
Classification: Likely benign. Last evaluated: 2025-10-01. Review status: criteria provided, single submitter. Criteria: Invitae Variant Classification Sherloc (09022015). Collection method: clinical testing. Allele origin: germline.

PreventionGenetics, part of Exact Sciences
Classification: Likely benign for SPTBN2-related condition. Last evaluated: 2025-05-14. Review status: criteria provided, single submitter. Criteria: ACMG Guidelines, 2015. Collection method: clinical testing. Allele origin: germline.
Comment: This variant is classified as likely benign based on ACMG/AMP sequence variant interpretation guidelines (Richards et al. 2015 PMID: 25741868, with internal and published modifications).

Mayo Clinic Laboratories, Mayo Clinic
Classification: Likely benign. Last evaluated: 2025-03-04. Review status: criteria provided, single submitter. Criteria: ACMG Guidelines, 2015. Collection method: clinical testing. Allele origin: germline. Observed: 2 variant alleles.
Comment: BS1, BP4

Athena Diagnostics
Classification: Benign. Last evaluated: 2024-08-26. Review status: criteria provided, single submitter. Criteria: Athena Diagnostics Criteria. Collection method: clinical testing. Allele origin: unknown.

Ambry Genetics
Classification: Likely benign for Inborn genetic diseases. Last evaluated: 2022-01-06. Review status: criteria provided, single submitter. Criteria: Ambry Variant Classification Scheme 2023. Collection method: clinical testing. Allele origin: germline.

Institute of Human Genetics, University of Leipzig Medical Center
Classification: Uncertain significance for Spinocerebellar ataxia type 5. Last evaluated: 2017-08-17. Review status: criteria provided, single submitter. Criteria: ACMG Guidelines, 2015. Collection method: clinical testing. Allele origin: germline. Affected: yes. Observed: 1 variant allele.

Eurofins Ntd Llc (ga)
Classification: Uncertain significance. Last evaluated: 2017-06-12. Review status: criteria provided, single submitter. Criteria: EGL Classification Definitions 2015. Collection method: clinical testing. Allele origin: germline. Observed: 1 variant allele, 1 heterozygote.

Literature cited by the submitters: PubMed 31469403 (cited by Athena Diagnostics).

NM_006946.4(SPTBN2):c.1456G>A (p.Ala486Thr)

Gene: SPTBN2 (spectrin beta, non-erythrocytic 2; minus strand). Cytogenetic location: 11q13.2.
Variant type: single nucleotide variant.
Coding change: c.1456G>A on transcript NM_006946.4 (MANE Select); coding-DNA position 1456, G replaced by A.
Protein change: p.Ala486Thr; replaces alanine 486 with threonine.
Molecular consequence: missense variant.
Genome position (GRCh38, 1-based): chr11:66,707,713, C>T on the plus strand (G>A on the coding strand, the complement: SPTBN2 is on the minus strand). VCF-style: chr11-66707713-C-T. GRCh37 (hg19) VCF-style: chr11-66475184-C-T.
Other names: p.Ala486Thr; c.1456G>A (NM_006946.3); short protein forms A486T.
Identifiers: ClinVar variation 502388 (VCV000502388.61), dbSNP rs143155918, ClinGen allele CA6129367.